The following is an entry in ClinVar:

NM_021620.4(PRDM13):c.397+4C>T

Gene: PRDM13 (PR/SET domain 13; plus strand). Cytogenetic location: 6q16.2.
Variant type: single nucleotide variant.
Coding change: c.397+4C>T on transcript NM_021620.4 (MANE Select); 4 bases into the intron after coding-DNA position 397, C replaced by T.
Molecular consequence: intron variant.
Genome position (GRCh38, 1-based): chr6:99,609,311, C>T. VCF-style: chr6-99609311-C-T. GRCh37 (hg19) VCF-style: chr6-100057187-C-T.
Identifiers: ClinVar variation 1036660 (VCV001036660.7), dbSNP rs1256631899, ClinGen allele CA569085848.

ClinVar aggregate classification (germline): Conflicting classifications of pathogenicity. Review status: criteria provided, conflicting classifications (1 of 4 stars). 2 submissions from 2 submitters: Uncertain significance (1); Likely benign (1). Last evaluated 2025-12-22.

Allele frequency attached by ClinVar (database versions not stated): gnomAD 0.00001; gnomAD exomes 0.00001.
gnomAD v4.1: 10 of 1,613,882 alleles (0.00062%); highest among the groups gnomAD compares: Middle Eastern, 0.016%; no homozygotes.

Submissions (2):

Labcorp Genetics (formerly Invitae), Labcorp
Classification: Uncertain significance. Last evaluated: 2025-12-22. Review status: criteria provided, single submitter. Criteria: Invitae Variant Classification Sherloc (09022015). Collection method: clinical testing. Allele origin: germline.
Comment: This sequence change falls in intron 3 of the PRDM13 gene. It does not directly change the encoded amino acid sequence of the PRDM13 protein. It affects a nucleotide within the consensus splice site. This variant is present in population databases (no rsID available, gnomAD no frequency). This variant has not been reported in the literature in individuals affected with PRDM13-related conditions. ClinVar contains an entry for this variant (Variation ID: 1036660). Variants that disrupt the consensus splice site are a relatively common cause of aberrant splicing (PMID: 17576681, 9536098). Algorithms developed to predict the effect of sequence changes on RNA splicing suggest that this variant is not likely to affect RNA splicing. In summary, the available evidence is currently insufficient to determine the role of this variant in disease. Therefore, it has been classified as a Variant of Uncertain Significance.

Blueprint Genetics
Classification: Likely benign. Last evaluated: 2023-07-26. Review status: criteria provided, single submitter. Criteria: ACMG Guidelines, 2015. Collection method: clinical testing. Allele origin: germline.

Literature cited by the submitters: PubMed 17576681 (cited by Labcorp Genetics (formerly Invitae), Labcorp); PubMed 9536098 (cited by Labcorp Genetics (formerly Invitae), Labcorp).